The following is an entry in ClinVar:

ClinVar aggregate classification (germline): Likely pathogenic (1 of 4 stars; one submission).

Conditions:
Hereditary cancer-predisposing syndrome. Also called: Tumor predisposition; Hereditary neoplastic syndrome; Hereditary Cancer Syndrome; Neoplastic Syndromes, Hereditary. Identifiers: Orphanet 140162, MedGen C0027672, MeSH D009386, MONDO:0015356.

Submission:

Ambry Genetics
Classification: Likely pathogenic for Hereditary cancer-predisposing syndrome. Last evaluated: 2025-05-20. Review status: criteria provided, single submitter. Criteria: Ambry Variant Classification Scheme 2023. Collection method: clinical testing. Allele origin: germline.
Comment: The c.1263+1G>A intronic variant results from a G to A substitution one nucleotide after coding exon 10 of the TSC1 gene. This nucleotide position is highly conserved in available vertebrate species. In silico splice site analysis predicts that this alteration will weaken the native splice donor site. This variant is considered to be rare based on population cohorts in the Genome Aggregation Database (gnomAD). Alterations that disrupt the canonical splice site are expected to cause aberrant splicing, resulting in an abnormal protein or a transcript that is subject to nonsense-mediated mRNA decay. As such, this alteration is classified as likely pathogenic.

NM_000368.5(TSC1):c.1263+1G>A

Gene: TSC1 (TSC complex subunit 1; minus strand). Cytogenetic location: 9q34.13.
Variant type: single nucleotide variant.
Coding change: c.1263+1G>A on transcript NM_000368.5 (MANE Select); the canonical splice donor site of the intron after coding-DNA position 1263, G replaced by A.
Molecular consequence: splice donor variant.
Genome position (GRCh38, 1-based): chr9:132,910,570, C>T on the plus strand (G>A on the coding strand, the complement: TSC1 is on the minus strand). VCF-style: chr9-132910570-C-T. GRCh37 (hg19) VCF-style: chr9-135785957-C-T.
Other names: c.897+1G>A (NM_001406620.1, NM_001406625.1, NM_001406621.1 and 2 more transcripts); c.900+1G>A (NM_001406618.1, NM_001406617.1, NM_001406619.1 and 5 more transcripts); c.1107+1G>A (NM_001406613.1, NM_001406612.1, NM_001406611.1); c.1110+1G>A (NM_001406610.1, NM_001162427.2); c.309+1G>A (NM_001406627.1, NM_001406628.1); c.210+1G>A (NM_001406629.1, NM_001406630.1); c.1260+1G>A (NM_001406603.1, NM_001406609.1, NM_001406597.1 and 6 more transcripts); c.1263+1G>A (NM_001406602.1, NM_001406606.1, NM_001406592.1 and 7 more transcripts); and 1 more.
Identifiers: ClinVar variation 3974524 (VCV003974524.1).
Genomic context (GRCh38, chr9:132,910,570, plus strand): 5'-TGAGGCTTGCAAGTGAGTCACTGTGCCTGGGCAGAGGGATAGCAGACGAGCTGGATCGCA[C>T]CTTCCTGGGGGGTGTGACTGTGGCCTGGGGGAGTGAAATGTGCACGTAGTCATCCGAATG-3'